The following is an entry in ClinVar:

NM_003835.4(RGS9):c.296G>A (p.Ser99Asn)

Gene: RGS9 (regulator of G protein signaling 9; plus strand). Cytogenetic location: 17q24.1.
Variant type: single nucleotide variant.
Coding change: c.296G>A on transcript NM_003835.4 (MANE Select); coding-DNA position 296, G replaced by A.
Protein change: p.Ser99Asn; replaces serine 99 with asparagine.
Molecular consequence: missense variant.
Genome position (GRCh38, 1-based): chr17:65,160,323, G>A. VCF-style: chr17-65160323-G-A. GRCh37 (hg19) VCF-style: chr17-63156441-G-A.
Other names: c.296G>A, p.Ser99Asn (NM_001081955.3, NM_001165933.2); short protein forms S99N.
Identifiers: ClinVar variation 961853 (VCV000961853.8), dbSNP rs199644053, ClinGen allele CA8717578.

ClinVar aggregate classification (germline): Uncertain significance. Review status: criteria provided, multiple submitters, no conflicts (2 of 4 stars). 4 submissions from 4 submitters: Uncertain significance (3). 1 of the submissions does not count toward it. Last evaluated 2024-10-30.

Conditions:
Retinal dystrophy. Also called: Inherited retinal dystrophy. Identifiers: Orphanet 71862, MedGen C0854723, MeSH D058499, MONDO:0019118, HP:0000556.
Inborn genetic diseases. Identifiers: MedGen C0950123, MeSH D030342.

Allele frequency attached by ClinVar (database versions not stated): gnomAD exomes 0.00010 and 0.00012; TOPMed 0.00010; gnomAD 0.00011; ExAC 0.00012.
gnomAD v4.1: 193 of 1,613,638 alleles (0.012%); highest among the groups gnomAD compares: Middle Eastern, 0.099%; no homozygotes.

Submissions (4):

Blueprint Genetics
Classification: Uncertain significance. Last evaluated: 2024-10-30. Review status: criteria provided, single submitter. Criteria: ACMG Guidelines, 2015. Collection method: clinical testing. Allele origin: germline.

Ambry Genetics
Classification: Uncertain significance for Inborn genetic diseases. Last evaluated: 2024-06-18. Review status: criteria provided, single submitter. Criteria: Ambry Variant Classification Scheme 2023. Collection method: clinical testing. Allele origin: germline.

Labcorp Genetics (formerly Invitae), Labcorp
Classification: Uncertain significance. Last evaluated: 2022-09-08. Review status: criteria provided, single submitter. Criteria: Invitae Variant Classification Sherloc (09022015). Collection method: clinical testing. Allele origin: germline.
Comment: This sequence change replaces serine, which is neutral and polar, with asparagine, which is neutral and polar, at codon 99 of the RGS9 protein (p.Ser99Asn). This variant is present in population databases (rs199644053, gnomAD 0.02%). This variant has not been reported in the literature in individuals affected with RGS9-related conditions. ClinVar contains an entry for this variant (Variation ID: 961853). Algorithms developed to predict the effect of missense changes on protein structure and function are either unavailable or do not agree on the potential impact of this missense change (SIFT: "Tolerated"; PolyPhen-2: "Possibly Damaging"; Align-GVGD: "Class C0"). In summary, the available evidence is currently insufficient to determine the role of this variant in disease. Therefore, it has been classified as a Variant of Uncertain Significance.

Institute of Human Genetics, Univ. Regensburg, Univ. Regensburg
Classification: Uncertain significance for Retinal dystrophy. Last evaluated: 2023-01-01. Review status: no assertion criteria provided. Criteria: ACMG Guidelines, 2015. Collection method: clinical testing. Allele origin: germline. Affected: yes. Not counted in ClinVar's aggregate classification.